The following is an entry in ClinVar:

NM_001846.4(COL4A2):c.1564C>A (p.Gln522Lys)

Genes: COL4A2 (collagen type IV alpha 2 chain; plus strand), COL4A2-AS2 (COL4A2 antisense RNA 2; minus strand). Cytogenetic location: 13q34.
Variant type: single nucleotide variant.
Coding change: c.1564C>A on transcript NM_001846.4 (MANE Select); coding-DNA position 1564, C replaced by A.
Protein change: p.Gln522Lys; replaces glutamine 522 with lysine.
Molecular consequence: missense variant.
Genome position (GRCh38, 1-based): chr13:110,458,902, C>A. VCF-style: chr13-110458902-C-A. GRCh37 (hg19) VCF-style: chr13-111111249-C-A.
Other names: short protein forms Q522K.
Identifiers: ClinVar variation 4756002 (VCV004756002.1).
Genomic context (GRCh38, chr13:110,458,902, plus strand): 5'-AAGGGCTTCGCAGGCATCAACGGGGAGCCGGGGAGGAAAGGGGACAGAGGAGACCCCGGC[C>A]AACACGGCCTCCCTGGGTTCCCAGGGCTCAAGGTGAGGAGCAATTTCATCATGAAGCTGG-3'
Protein context (NP_001837.2, residues 512-532): GRKGDRGDPG[Gln522Lys]HGLPGFPGLK

ClinVar aggregate classification (germline): Uncertain significance (1 of 4 stars; one submission).

Submission:

GeneDx
Classification: Uncertain significance. Last evaluated: 2025-08-07. Review status: criteria provided, single submitter. Criteria: GeneDx Variant Classification Process June 2021. Collection method: clinical testing. Allele origin: germline. Affected: yes.
Comment: Not observed at significant frequency in large population cohorts (gnomAD); In silico analysis suggests that this missense variant does not alter protein structure/function; Has not been previously published as pathogenic or benign to our knowledge